The following is an entry in ClinVar:

ClinVar aggregate classification (germline): Pathogenic (1 of 4 stars; one submission).

Conditions:
Multiple congenital exostosis (EXT). Also called: MULTIPLE CARTILAGINOUS EXOSTOSES; Hereditary multiple exostoses; Hereditary multiple exostosis; Multiple exostoses; Multiple osteochondromas; Hereditary multiple osteochondromas. Identifiers: Orphanet 321, MedGen C0015306, MONDO:0005508, HP:0002762.

Submission:

Labcorp Genetics (formerly Invitae), Labcorp
Classification: Pathogenic for Multiple congenital exostosis. Last evaluated: 2022-05-06. Review status: criteria provided, single submitter. Criteria: Invitae Variant Classification Sherloc (09022015). Collection method: clinical testing. Allele origin: germline.
Comment: For these reasons, this variant has been classified as Pathogenic. This premature translational stop signal has been observed in individual(s) with multiple exostoses (PMID: 11432960). This variant is not present in population databases (gnomAD no frequency). This sequence change creates a premature translational stop signal (p.Ser238Leufs*14) in the EXT1 gene. It is expected to result in an absent or disrupted protein product. Loss-of-function variants in EXT1 are known to be pathogenic (PMID: 10679937, 11391482, 19810120).

Literature cited by the submitters: PubMed 11432960; PubMed 10679937; PubMed 11391482; PubMed 19810120.

NM_000127.3(EXT1):c.712del (p.Ser238fs)

Gene: EXT1 (exostosin glycosyltransferase 1; minus strand). Cytogenetic location: 8q24.11.
Variant type: Deletion.
Coding change: c.712del on transcript NM_000127.3 (MANE Select); coding-DNA position 712, one base deleted (T; older notation c.712delT).
Protein change: p.Ser238fs; shifts the reading frame from serine 238.
Molecular consequence: frameshift variant.
Genome position (GRCh38, 1-based): chr8:118,110,335, A deleted on the plus strand (T on the coding strand, the reverse complement: EXT1 is on the minus strand); the first of 4 consecutive A bases (chr8:118,110,335-118,110,338); deleting any one gives the same sequence. VCF-style (leftmost placement, unchanged base first): chr8-118110334-GA-G. GRCh37 (hg19) VCF-style: chr8-119122573-GA-G.
Other names: short protein forms S238fs.
Identifiers: ClinVar variation 2136701 (VCV002136701.4), dbSNP rs2130042109, ClinGen allele CA2580078555.